The following is an entry in ClinVar:

NM_021956.5(GRIK2):c.2699G>T (p.Arg900Met)

Gene: GRIK2 (glutamate ionotropic receptor kainate type subunit 2; plus strand). Cytogenetic location: 6q16.3.
Variant type: single nucleotide variant.
Coding change: c.2699G>T on transcript NM_021956.5 (MANE Select); coding-DNA position 2699, G replaced by T.
Protein change: p.Arg900Met; replaces arginine 900 with methionine.
Molecular consequence: missense variant. On other transcripts: 3 prime UTR variant (2).
Genome position (GRCh38, 1-based): chr6:102,068,483, G>T. VCF-style: chr6-102068483-G-T. GRCh37 (hg19) VCF-style: chr6-102516358-G-T.
Other names: c.*152G>T (NM_001166247.1); c.*176G>T (NM_175768.3); short protein forms R900M.
Identifiers: ClinVar variation 2580385 (VCV002580385.1), dbSNP rs1772127344, ClinGen allele CA365310434.

ClinVar aggregate classification (germline): Uncertain significance (1 of 4 stars; one submission).

gnomAD v4.1: 1 of 1,611,632 alleles (0.000062%); no homozygotes.

Submission:

GeneDx
Classification: Uncertain significance. Last evaluated: 2023-03-20. Review status: criteria provided, single submitter. Criteria: GeneDx Variant Classification Process June 2021. Collection method: clinical testing. Allele origin: germline. Affected: yes.
Comment: Not observed at significant frequency in large population cohorts (gnomAD); In silico analysis supports that this missense variant does not alter protein structure/function; Has not been previously published as pathogenic or benign to our knowledge